The following is an entry in ClinVar:

ClinVar aggregate classification (germline): Uncertain significance (1 of 4 stars; one submission).

Allele frequency attached by ClinVar (database versions not stated): ESP Exome Variant Server 0.00015; 1000 Genomes Project 30x 0.00094; 1000 Genomes Project 0.00100.
gnomAD v4.1: 59 of 1,614,046 alleles (0.0037%); highest among the groups gnomAD compares: African/African-American, 0.073%; no homozygotes.

Submission:

Labcorp Genetics (formerly Invitae), Labcorp
Classification: Uncertain significance. Last evaluated: 2025-09-27. Review status: criteria provided, single submitter. Criteria: Invitae Variant Classification Sherloc (09022015). Collection method: clinical testing. Allele origin: germline.
Comment: This sequence change replaces arginine, which is basic and polar, with proline, which is neutral and non-polar, at codon 135 of the LSR protein (p.Arg135Pro). This variant is present in population databases (rs141980234, gnomAD 0.1%), and has an allele count higher than expected for a pathogenic variant. This variant has not been reported in the literature in individuals affected with LSR-related conditions. ClinVar contains an entry for this variant (Variation ID: 2416756). An algorithm developed to predict the effect of missense changes on protein structure and function (PolyPhen-2) suggests that this variant is likely to be disruptive. In summary, the available evidence is currently insufficient to determine the role of this variant in disease. Therefore, it has been classified as a Variant of Uncertain Significance.

NM_205834.4(LSR):c.260G>C (p.Arg87Pro)

Gene: LSR (lipolysis stimulated lipoprotein receptor; plus strand). Cytogenetic location: 19q13.12.
Variant type: single nucleotide variant.
Coding change: c.260G>C on transcript NM_205834.4 (MANE Select); coding-DNA position 260, G replaced by C.
Protein change: p.Arg87Pro; replaces arginine 87 with proline.
Molecular consequence: missense variant.
Genome position (GRCh38, 1-based): chr19:35,250,465, G>C. VCF-style: chr19-35250465-G-C. GRCh37 (hg19) VCF-style: chr19-35741368-G-C.
Other names: c.260G>C, p.Arg87Pro (NM_001260489.2, NM_001260490.2, NM_001385215.1 and 2 more transcripts); short protein forms R87P.
Identifiers: ClinVar variation 2416756 (VCV002416756.6), dbSNP rs141980234, ClinGen allele CA9374629.